The following is an entry in ClinVar:

ClinVar aggregate classification (germline): Uncertain significance (1 of 4 stars; one submission).

Allele frequency attached by ClinVar (database versions not stated): 1000 Genomes Project 30x 0.00016; 1000 Genomes Project 0.00020.
gnomAD v4.1: 9 of 1,289,350 alleles (0.0007%); highest among the groups gnomAD compares: East Asian, 0.011%; no homozygotes.

Submission:

CeGaT Center for Human Genetics Tuebingen
Classification: Uncertain significance. Last evaluated: 2023-08-01. Review status: criteria provided, single submitter. Criteria: CeGaT Center For Human Genetics Tuebingen Variant Classification Criteria Version 2. Collection method: clinical testing. Allele origin: germline. Affected: yes. Observed: 1 variant allele.
Comment: STIM1: PM2:Supporting, BP4

NM_001382567.1(STIM1):c.1534G>A (p.Gly512Ser)

Gene: STIM1 (stromal interaction molecule 1; plus strand). Cytogenetic location: 11p15.4.
Variant type: single nucleotide variant.
Coding change: c.1534G>A on transcript NM_001382567.1 (MANE Select); coding-DNA position 1534, G replaced by A.
Protein change: p.Gly512Ser; replaces glycine 512 with serine.
Molecular consequence: missense variant. On other transcripts: intron variant (15).
Genome position (GRCh38, 1-based): chr11:4,084,732, G>A. VCF-style: chr11-4084732-G-A. GRCh37 (hg19) VCF-style: chr11-4105962-G-A.
Other names: c.1252+1234G>A (NM_001382578.1, NM_001382575.1, NM_001382576.1 and 3 more transcripts); c.985+1234G>A (NM_001382580.1, NM_001382581.1); c.1495+1234G>A (NM_001382568.1); c.1474+1234G>A (NM_001277962.2, NM_003156.4, NM_001277961.3); c.1246+1234G>A (NM_001382570.1); c.1339+1234G>A (NM_001382569.1); c.994+1234G>A (NM_001382571.1); short protein forms G512S.
Identifiers: ClinVar variation 2641524 (VCV002641524.24), dbSNP rs74352612, ClinGen allele CA216530406.